The following is an entry in ClinVar:

ClinVar aggregate classification (germline): Uncertain significance (1 of 4 stars; one submission).

Conditions:
Tuberous sclerosis 2 (TSC2). Identifiers: Orphanet 805, MedGen C1860707, MONDO:0013199, OMIM 613254.

Submission:

Labcorp Genetics (formerly Invitae), Labcorp
Classification: Uncertain significance for Tuberous sclerosis 2. Last evaluated: 2024-05-15. Review status: criteria provided, single submitter. Criteria: Invitae Variant Classification Sherloc (09022015). Collection method: clinical testing. Allele origin: germline.
Comment: This sequence change replaces serine, which is neutral and polar, with proline, which is neutral and non-polar, at codon 1338 of the TSC2 protein (p.Ser1338Pro). This variant is not present in population databases (gnomAD no frequency). This variant has not been reported in the literature in individuals affected with TSC2-related conditions. Advanced modeling of protein sequence and biophysical properties (such as structural, functional, and spatial information, amino acid conservation, physicochemical variation, residue mobility, and thermodynamic stability) performed at Invitae indicates that this missense variant is not expected to disrupt TSC2 protein function with a negative predictive value of 95%. In summary, the available evidence is currently insufficient to determine the role of this variant in disease. Therefore, it has been classified as a Variant of Uncertain Significance.

NM_000548.5(TSC2):c.4012T>C (p.Ser1338Pro)

Gene: TSC2 (TSC complex subunit 2; plus strand). Cytogenetic location: 16p13.3.
Variant type: single nucleotide variant.
Coding change: c.4012T>C on transcript NM_000548.5 (MANE Select); coding-DNA position 4012, T replaced by C.
Protein change: p.Ser1338Pro; replaces serine 1338 with proline.
Molecular consequence: missense variant. On other transcripts: non-coding transcript variant (5).
Genome position (GRCh38, 1-based): chr16:2,084,234, T>C. VCF-style: chr16-2084234-T-C. GRCh37 (hg19) VCF-style: chr16-2134235-T-C.
Other names: c.2470T>C, p.Ser824Pro (NM_001406694.1, NM_001406692.1, NM_001406693.1); c.2467T>C, p.Ser823Pro (NM_001406695.1, NM_001406696.1, NM_001406697.1); c.2209T>C, p.Ser737Pro (NM_001406698.1); c.3883T>C, p.Ser1295Pro (NM_021055.3, NM_001370405.1); c.3340T>C, p.Ser1114Pro (NM_001406684.1); c.3214T>C, p.Ser1072Pro (NM_001406685.1, NM_001406686.1); c.3211T>C, p.Ser1071Pro (NM_001406687.1, NM_001406688.1); c.2599T>C, p.Ser867Pro (NM_001406689.1); and 26 more; short protein forms S1222P, S1235P, S1302P, S867P, S1223P, S1266P, S1267P, S1278P.
Identifiers: ClinVar variation 3637227 (VCV003637227.2).